The following is an entry in ClinVar:

NM_000051.4(ATM):c.2113T>G (p.Tyr705Asp)

Gene: ATM (ATM serine/threonine kinase; plus strand). Cytogenetic location: 11q22.3.
Variant type: single nucleotide variant.
Coding change: c.2113T>G on transcript NM_000051.4 (MANE Select); coding-DNA position 2113, T replaced by G.
Protein change: p.Tyr705Asp; replaces tyrosine 705 with aspartic acid.
Molecular consequence: missense variant.
Genome position (GRCh38, 1-based): chr11:108,254,028, T>G. VCF-style: chr11-108254028-T-G. GRCh37 (hg19) VCF-style: chr11-108124755-T-G.
Other names: c.2113T>G, p.Tyr705Asp (NM_001351834.2); short protein forms Y705D.
Identifiers: ClinVar variation 2755060 (VCV002755060.3), dbSNP rs757260641, ClinGen allele CA382537755.

ClinVar aggregate classification (germline): Uncertain significance (1 of 4 stars; one submission).

Conditions:
Ataxia-telangiectasia syndrome (AT). Also called: LOUIS-BAR SYNDROME; AT, COMPLEMENTATION GROUP C; ATAXIA-TELANGIECTASIA, COMPLEMENTATION GROUP A; ATAXIA-TELANGIECTASIA, FRESNO VARIANT; Ataxia-telangiectasia; Cerebello-oculocutaneous telangiectasia. Identifiers: Orphanet 100, MedGen C0004135, MONDO:0008840, OMIM 208900.

Submission:

Labcorp Genetics (formerly Invitae), Labcorp
Classification: Uncertain significance for Ataxia-telangiectasia syndrome. Last evaluated: 2023-09-03. Review status: criteria provided, single submitter. Criteria: Invitae Variant Classification Sherloc (09022015). Collection method: clinical testing. Allele origin: germline.
Comment: This sequence change replaces tyrosine, which is neutral and polar, with aspartic acid, which is acidic and polar, at codon 705 of the ATM protein (p.Tyr705Asp). In summary, the available evidence is currently insufficient to determine the role of this variant in disease. Therefore, it has been classified as a Variant of Uncertain Significance. An algorithm developed to predict the effect of missense changes on protein structure and function (PolyPhen-2) suggests that this variant is likely to be disruptive. This variant has not been reported in the literature in individuals affected with ATM-related conditions. This variant is not present in population databases (gnomAD no frequency).